The following is an entry in ClinVar:

ClinVar aggregate classification (germline): Likely pathogenic. Review status: criteria provided, single submitter (1 of 4 stars). 2 submissions from 2 submitters: Likely pathogenic (1). 1 of the submissions does not count toward it. Last evaluated 2017-01-06.

Conditions:
COG5-congenital disorder of glycosylation. Also called: COG5-CDG; CDG IIi; CONGENITAL DISORDER OF GLYCOSYLATION, TYPE IIi. Identifiers: Orphanet 263487, MedGen C3150876, MONDO:0013325, OMIM 613612.

Allele frequency attached by ClinVar (database versions not stated): gnomAD 0.00001; gnomAD exomes 0.00001; TOPMed 0.00001.
gnomAD v4.1: 9 of 1,613,758 alleles (0.00056%); highest among the groups gnomAD compares: Non-Finnish European, 0.00076%; no homozygotes.

Submissions (2):

Groupe Hospitalier Pitie Salpetriere, Uf Genomique Du Developpement, Assistance Publique Hopitaux de Paris Sorbonne Université
Classification: Likely pathogenic for Congenital disorder of glycosylation, type IIi. Last evaluated: 2017-01-06. Review status: criteria provided, single submitter. Criteria: ACMG Guidelines, 2015. Collection method: clinical testing. Allele origin: paternal. Affected: yes. Observed: 1 variant allele.
Comment: Intellectual disability

OMIM
Classification: Pathogenic for CONGENITAL DISORDER OF GLYCOSYLATION, TYPE IIi. Last evaluated: 2020-07-07. Review status: no assertion criteria provided. Collection method: literature only. Allele origin: germline. Not counted in ClinVar's aggregate classification.

Literature cited by the submitters: PubMed 28708303 (cited by Groupe Hospitalier Pitie Salpetriere, Uf Genomique Du Developpement, Assistance Publique Hopitaux de Paris Sorbonne Université); PubMed 31572517 (cited by OMIM).

NM_006348.5(COG5):c.2231C>T (p.Pro744Leu)

Gene: COG5 (component of oligomeric golgi complex 5; minus strand). Cytogenetic location: 7q22.3.
Variant type: single nucleotide variant.
Coding change: c.2231C>T on transcript NM_006348.5 (MANE Select); coding-DNA position 2231, C replaced by T.
Protein change: p.Pro744Leu; replaces proline 744 with leucine.
Molecular consequence: missense variant. On other transcripts: intron variant (1).
Genome position (GRCh38, 1-based): chr7:107,211,163, G>A on the plus strand (C>T on the coding strand, the complement: COG5 is on the minus strand). VCF-style: chr7-107211163-G-A. GRCh37 (hg19) VCF-style: chr7-106851608-G-A.
Other names: c.2231C>T, p.Pro744Leu (NM_001161520.2); c.2069C>T, p.Pro690Leu (NM_001379511.1); c.2057C>T, p.Pro686Leu (NM_001379512.1); c.1916C>T, p.Pro639Leu (NM_001379514.1); c.1661C>T, p.Pro554Leu (NM_001379515.1); c.1517C>T, p.Pro506Leu (NM_001379516.1); c.2168C>T, p.Pro723Leu (NM_181733.4); c.2169-7533C>T (NM_001379513.1); short protein forms P775L, P686L, P723L, P506L, P554L, P690L, P639L, P744L.
Identifiers: ClinVar variation 431149 (VCV000431149.4), dbSNP rs1135401817, ClinGen allele CA368839888.